The following is an entry in ClinVar:

NM_020911.2(PLXNA4):c.3005C>T (p.Ser1002Phe)

Gene: PLXNA4 (plexin A4; minus strand). Cytogenetic location: 7q32.3.
Variant type: single nucleotide variant.
Coding change: c.3005C>T on transcript NM_020911.2 (MANE Select); coding-DNA position 3005, C replaced by T.
Protein change: p.Ser1002Phe; replaces serine 1002 with phenylalanine.
Molecular consequence: missense variant.
Genome position (GRCh38, 1-based): chr7:132,185,452, G>A on the plus strand (C>T on the coding strand, the complement: PLXNA4 is on the minus strand). VCF-style: chr7-132185452-G-A. GRCh37 (hg19) VCF-style: chr7-131870211-G-A.
Other names: c.3005C>T, p.Ser1002Phe (NM_001393897.1); short protein forms S1002F.
Identifiers: ClinVar variation 5001660 (VCV005001660.1).

ClinVar aggregate classification (germline): Uncertain significance (1 of 4 stars; one submission).

Conditions:
PLXNA4-related disorder. Also called: PLXNA4-related condition.

gnomAD v4.1: 1 of 1,612,818 alleles (0.000062%); highest among the groups gnomAD compares: Non-Finnish European, 0.000085%; no homozygotes.

Submission:

PreventionGenetics, part of Exact Sciences
Classification: Uncertain significance for PLXNA4-related condition. Last evaluated: 2025-05-01. Review status: criteria provided, single submitter. Criteria: ACMG Guidelines, 2015. Collection method: clinical testing. Allele origin: germline.
Comment: The PLXNA4 c.3005C>T variant is predicted to result in the amino acid substitution p.Ser1002Phe. To our knowledge, this variant has not been reported in the literature. This variant is reported in 0.00089% of alleles in individuals of European (Non-Finnish) descent in gnomAD. At this time, the clinical significance of this variant is uncertain due to the absence of conclusive functional and genetic evidence.